The following is an entry in ClinVar:

ClinVar aggregate classification (germline): Likely benign. Review status: criteria provided, multiple submitters, no conflicts (2 of 4 stars). 3 submissions from 3 submitters: Likely benign (3). Last evaluated 2023-03-28.

Conditions:
Familial thoracic aortic aneurysm and aortic dissection (TAAD). Also called: Thoracic aortic aneurysms and dissections. Identifiers: Orphanet 91387, MedGen C4707243, MONDO:0019625.

Allele frequency attached by ClinVar (database versions not stated): gnomAD exomes below 0.00001; TOPMed 0.00001.
gnomAD v4.1: 2 of 1,613,598 alleles (0.00012%); highest among the groups gnomAD compares: Non-Finnish European, 0.00017%; no homozygotes.

Submissions (3):

All of Us Research Program, National Institutes of Health
Classification: Likely benign for Familial thoracic aortic aneurysm and aortic dissection. Last evaluated: 2023-03-28. Review status: criteria provided, single submitter. Criteria: ACMG Guidelines, 2015. Collection method: clinical testing. Allele origin: germline. Inheritance: Autosomal dominant inheritance. Observed: 1 variant allele, 1 heterozygote.
Comment: This study involves interpretation of variants in research participants for the purpose of population health screening. Participant phenotype was not available at the time of variant classification. Additional details can be found in publication PMID: 35346344, PMCID: PMC8962531

Color Diagnostics, LLC DBA Color Health
Classification: Likely benign for Familial thoracic aortic aneurysm and aortic dissection. Last evaluated: 2018-12-16. Review status: criteria provided, single submitter. Criteria: ACMG Guidelines, 2015. Collection method: clinical testing. Allele origin: germline.

Ambry Genetics
Classification: Likely benign for Familial thoracic aortic aneurysm and aortic dissection. Last evaluated: 2016-03-21. Review status: criteria provided, single submitter. Criteria: Ambry Variant Classification Scheme 2023. Collection method: clinical testing. Allele origin: germline.

NM_002474.3(MYH11):c.3157C>T (p.Leu1053=)

Gene: MYH11 (myosin heavy chain 11; minus strand). Cytogenetic location: 16p13.11.
Variant type: single nucleotide variant.
Coding change: c.3157C>T on transcript NM_002474.3 (MANE Select); coding-DNA position 3157, C replaced by T.
Protein change: p.Leu1053=; no amino-acid change (leucine 1053 retained).
Molecular consequence: synonymous variant.
Genome position (GRCh38, 1-based): chr16:15,737,585, G>A on the plus strand (C>T on the coding strand, the complement: MYH11 is on the minus strand). VCF-style: chr16-15737585-G-A. GRCh37 (hg19) VCF-style: chr16-15831442-G-A.
Other names: c.3178C>T, p.Leu1060= (NM_001040113.2, NM_001040114.2); c.3157C>T, p.Leu1053= (NM_022844.3).
Identifiers: ClinVar variation 519929 (VCV000519929.8), dbSNP rs12149651, ClinGen allele CA493781298.